The following is an entry in ClinVar:

NM_000158.4(GBE1):c.406G>A (p.Val136Met)

Gene: GBE1 (1,4-alpha-glucan branching enzyme 1; minus strand). Cytogenetic location: 3p12.2.
Variant type: single nucleotide variant.
Coding change: c.406G>A on transcript NM_000158.4 (MANE Select); coding-DNA position 406, G replaced by A.
Protein change: p.Val136Met; replaces valine 136 with methionine.
Molecular consequence: missense variant.
Genome position (GRCh38, 1-based): chr3:81,670,861, C>T on the plus strand (G>A on the coding strand, the complement: GBE1 is on the minus strand). VCF-style: chr3-81670861-C-T. GRCh37 (hg19) VCF-style: chr3-81720012-C-T.
Other names: short protein forms V136M.
Identifiers: ClinVar variation 2190287 (VCV002190287.5), dbSNP rs565408717, ClinGen allele CA2499982.

ClinVar aggregate classification (germline): Uncertain significance. Review status: criteria provided, multiple submitters, no conflicts (2 of 4 stars). 3 submissions from 3 submitters: Uncertain significance (3). Last evaluated 2026-01-27.

Conditions:
Glycogen storage disease, type IV (GSD4). Also called: BRANCHER DEFICIENCY; CIRRHOSIS, FAMILIAL, WITH DEPOSITION OF ABNORMAL GLYCOGEN; GBE1 DEFICIENCY; GLYCOGEN BRANCHING ENZYME DEFICIENCY; GLYCOGENOSIS IV; GSD IV. Identifiers: Orphanet 367, MedGen C0017923, MONDO:0009292, OMIM 232500.
Glycogen storage disease IV, classic hepatic. Also called: GSD IV, CLASSIC HEPATIC. Identifiers: MedGen C1856301.

Allele frequency attached by ClinVar (database versions not stated): ExAC 0.00002; gnomAD 0.00002; gnomAD exomes 0.00002; 1000 Genomes Project 30x 0.00031; 1000 Genomes Project 0.00040.
gnomAD v4.1: 36 of 1,564,892 alleles (0.0023%); highest among the groups gnomAD compares: Middle Eastern, 0.017%; no homozygotes.

Submissions (3):

3billion
Classification: Uncertain significance for Glycogen storage disease, type IV. Last evaluated: 2026-01-27. Review status: criteria provided, single submitter. Criteria: ACMG Guidelines, 2015. Collection method: clinical testing. Allele origin: germline. Affected: yes.
Comment: The variant is observed at an extremely low frequency in the gnomAD v4.1.0 dataset (total allele frequency: 0.002%). Predicted Consequence/Location: Missense variant In silico tool predictions suggest damaging effect of the variant on gene or gene product [3Cnet: 0.76 (> 0.75, sensitivity 0.96 and precision 0.92)]. The variant has been reported as of uncertain significance (ClinVar ID: VCV002190287). Therefore, this variant is classified as VUS according to the recommendation of ACMG/AMP guideline.

Labcorp Genetics (formerly Invitae), Labcorp
Classification: Uncertain significance for Glycogen storage disease, type IV; Glycogen storage disease IV, classic hepatic. Last evaluated: 2024-12-23. Review status: criteria provided, single submitter. Criteria: Invitae Variant Classification Sherloc (09022015). Collection method: clinical testing. Allele origin: germline.
Comment: This sequence change replaces valine, which is neutral and non-polar, with methionine, which is neutral and non-polar, at codon 136 of the GBE1 protein (p.Val136Met). The frequency data for this variant in the population databases is considered unreliable, as metrics indicate poor data quality at this position in the gnomAD database. This variant has not been reported in the literature in individuals affected with GBE1-related conditions. ClinVar contains an entry for this variant (Variation ID: 2190287). Invitae Evidence Modeling of protein sequence and biophysical properties (such as structural, functional, and spatial information, amino acid conservation, physicochemical variation, residue mobility, and thermodynamic stability) indicates that this missense variant is not expected to disrupt GBE1 protein function with a negative predictive value of 95%. In summary, the available evidence is currently insufficient to determine the role of this variant in disease. Therefore, it has been classified as a Variant of Uncertain Significance.

Blueprint Genetics
Classification: Uncertain significance. Last evaluated: 2024-10-21. Review status: criteria provided, single submitter. Criteria: ACMG Guidelines, 2015. Collection method: clinical testing. Allele origin: germline.